The following is an entry in ClinVar:

NM_001377.3(DYNC2H1):c.8832+138C>G

Gene: DYNC2H1 (dynein cytoplasmic 2 heavy chain 1; plus strand). Cytogenetic location: 11q22.3.
Variant type: single nucleotide variant.
Coding change: c.8832+138C>G on transcript NM_001377.3 (MANE Select); 138 bases into the intron after coding-DNA position 8832, C replaced by G.
Molecular consequence: intron variant.
Genome position (GRCh38, 1-based): chr11:103,215,996, C>G. VCF-style: chr11-103215996-C-G. GRCh37 (hg19) VCF-style: chr11-103086725-C-G.
Other names: c.8832+138C>G (NM_001080463.2).
Identifiers: ClinVar variation 667724 (VCV000667724.2), dbSNP rs635193, ClinGen allele CA13427659.

ClinVar aggregate classification (germline): Benign. Review status: criteria provided, multiple submitters, no conflicts (2 of 4 stars). 2 submissions from 2 submitters: Benign (2). Last evaluated 2018-06-14.

Allele frequency attached by ClinVar (database versions not stated): 1000 Genomes Project 0.57149; TOPMed 0.60284.
gnomAD v4.1: 648,949 of 1,060,636 alleles (61%); highest among the groups gnomAD compares: Admixed American, 71%; 200,578 homozygotes.

Submissions (2):

GeneDx
Classification: Benign. Last evaluated: 2018-06-14. Review status: criteria provided, single submitter. Criteria: GeneDx Variant Classification (06012015). Collection method: clinical testing. Allele origin: germline. Affected: yes.
Comment: This variant is considered likely benign or benign based on one or more of the following criteria: it is a conservative change, it occurs at a poorly conserved position in the protein, it is predicted to be benign by multiple in silico algorithms, and/or has population frequency not consistent with disease.

Breakthrough Genomics
Classification: Benign. Review status: criteria provided, single submitter. Criteria: ACMG Guidelines, 2015. Collection method: not provided. Allele origin: germline. Inheritance: Autosomal recessive inheritance. Affected: yes.